The following is an entry in ClinVar:

ClinVar aggregate classification (germline): Uncertain significance. Review status: criteria provided, multiple submitters, no conflicts (2 of 4 stars). 2 submissions from 2 submitters: Uncertain significance (2). Last evaluated 2024-11-18.

Conditions:
Inborn genetic diseases. Identifiers: MedGen C0950123, MeSH D030342.

Allele frequency attached by ClinVar (database versions not stated): gnomAD exomes below 0.00001 and 0.00001; gnomAD 0.00001.
gnomAD v4.1: 7 of 1,613,898 alleles (0.00043%); highest among the groups gnomAD compares: South Asian, 0.0033%; no homozygotes.

Submissions (2):

Ambry Genetics
Classification: Uncertain significance for Inborn genetic diseases. Last evaluated: 2024-11-18. Review status: criteria provided, single submitter. Criteria: Ambry Variant Classification Scheme 2023. Collection method: clinical testing. Allele origin: germline.
Comment: The p.R46C variant (also known as c.136C>T), located in coding exon 2 of the HAX1 gene, results from a C to T substitution at nucleotide position 136. The arginine at codon 46 is replaced by cysteine, an amino acid with highly dissimilar properties. This amino acid position is conserved. In addition, this alteration is predicted to be tolerated by in silico analysis. Based on the available evidence, the clinical significance of this variant remains unclear.

Women's Health and Genetics/Laboratory Corporation of America, LabCorp
Classification: Uncertain significance. Last evaluated: 2022-06-08. Review status: criteria provided, single submitter. Criteria: LabCorp Variant Classification Summary - May 2015. Collection method: clinical testing. Allele origin: germline.
Comment: Variant summary: HAX1 c.136C>T (p.Arg46Cys) results in a non-conservative amino acid change in the encoded protein sequence. Three of five in-silico tools predict a benign effect of the variant on protein function. The variant allele was found at a frequency of 1.2e-05 in 251406 control chromosomes (gnomAD). The available data on variant occurrences in the general population are insufficient to allow any conclusion about variant significance. To our knowledge, no occurrence of c.136C>T in individuals affected with Severe Congenital Neutropenia and no experimental evidence demonstrating its impact on protein function have been reported. No clinical diagnostic laboratories have submitted clinical-significance assessments for this variant to ClinVar after 2014. Based on the evidence outlined above, the variant was classified as uncertain significance.

NM_006118.4(HAX1):c.136C>T (p.Arg46Cys)

Gene: HAX1 (HCLS1 associated protein X-1; plus strand). Cytogenetic location: 1q21.3.
Variant type: single nucleotide variant.
Coding change: c.136C>T on transcript NM_006118.4 (MANE Select); coding-DNA position 136, C replaced by T.
Protein change: p.Arg46Cys; replaces arginine 46 with cysteine.
Molecular consequence: missense variant. On other transcripts: intron variant (1).
Genome position (GRCh38, 1-based): chr1:154,273,418, C>T. VCF-style: chr1-154273418-C-T. GRCh37 (hg19) VCF-style: chr1-154245894-C-T.
Other names: c.54-62C>T (NM_001018837.2); short protein forms R46C.
Identifiers: ClinVar variation 1698521 (VCV001698521.2), dbSNP rs1170911395, ClinGen allele CA342591366.